The following is an entry in ClinVar:

ClinVar aggregate classification (germline): Uncertain significance (1 of 4 stars; one submission).

Conditions:
Left ventricular noncompaction 8 (LVNC8). Identifiers: Orphanet 154, Orphanet 54260, MedGen C3809288, MONDO:0014152, OMIM 615373.

gnomAD v4.1: 1 of 1,613,020 alleles (0.000062%); highest among the groups gnomAD compares: Non-Finnish European, 0.000085%; no homozygotes.

Submission:

Labcorp Genetics (formerly Invitae), Labcorp
Classification: Uncertain significance for Left ventricular noncompaction 8. Last evaluated: 2024-12-07. Review status: criteria provided, single submitter. Criteria: Invitae Variant Classification Sherloc (09022015). Collection method: clinical testing. Allele origin: germline.
Comment: This sequence change replaces alanine, which is neutral and non-polar, with glutamic acid, which is acidic and polar, at codon 259 of the PRDM16 protein (p.Ala259Glu). This variant is not present in population databases (gnomAD no frequency). This variant has not been reported in the literature in individuals affected with PRDM16-related conditions. An algorithm developed to predict the effect of missense changes on protein structure and function (PolyPhen-2) suggests that this variant is likely to be tolerated. In summary, the available evidence is currently insufficient to determine the role of this variant in disease. Therefore, it has been classified as a Variant of Uncertain Significance.

NM_022114.4(PRDM16):c.776C>A (p.Ala259Glu)

Gene: PRDM16 (PR/SET domain 16; plus strand). Cytogenetic location: 1p36.32.
Variant type: single nucleotide variant.
Coding change: c.776C>A on transcript NM_022114.4 (MANE Select); coding-DNA position 776, C replaced by A.
Protein change: p.Ala259Glu; replaces alanine 259 with glutamic acid.
Molecular consequence: missense variant.
Genome position (GRCh38, 1-based): chr1:3,402,890, C>A. VCF-style: chr1-3402890-C-A. GRCh37 (hg19) VCF-style: chr1-3319454-C-A.
Other names: c.776C>A, p.Ala259Glu (NM_199454.3); short protein forms A259E.
Identifiers: ClinVar variation 3676719 (VCV003676719.2).